The following is an entry in ClinVar:

ClinVar aggregate classification (germline): Uncertain significance (0 of 4 stars; one submission).

Conditions:
TNC-related disorder. Also called: TNC-related condition.

gnomAD v4.1: 19 of 1,613,796 alleles (0.0012%); highest among the groups gnomAD compares: South Asian, 0.0077%; no homozygotes.

Submission:

PreventionGenetics, part of Exact Sciences
Classification: Uncertain significance for TNC-related condition. Last evaluated: 2024-06-11. Review status: no assertion criteria provided. Collection method: clinical testing. Allele origin: germline.
Comment: The TNC c.1229A>G variant is predicted to result in the amino acid substitution p.Asn410Ser. To our knowledge, this variant has not been reported in the literature. This variant is reported in 0.0065% of alleles in individuals of South Asian descent in gnomAD. At this time, the clinical significance of this variant is uncertain due to the absence of conclusive functional and genetic evidence.

NM_002160.4(TNC):c.1229A>G (p.Asn410Ser)

Gene: TNC (tenascin C; minus strand). Cytogenetic location: 9q33.1.
Variant type: single nucleotide variant.
Coding change: c.1229A>G on transcript NM_002160.4 (MANE Select); coding-DNA position 1229, A replaced by G.
Protein change: p.Asn410Ser; replaces asparagine 410 with serine.
Molecular consequence: missense variant.
Genome position (GRCh38, 1-based): chr9:115,086,502, T>C on the plus strand (A>G on the coding strand, the complement: TNC is on the minus strand). VCF-style: chr9-115086502-T-C. GRCh37 (hg19) VCF-style: chr9-117848781-T-C.
Other names: c.1229A>G, p.Asn410Ser (NM_001410991.1); short protein forms N410S.
Identifiers: ClinVar variation 3351365 (VCV003351365.1).